The following is an entry in ClinVar:

NM_030665.4(RAI1):c.810G>C (p.Gln270His)

Gene: RAI1 (retinoic acid induced 1; plus strand). Cytogenetic location: 17p11.2.
Variant type: single nucleotide variant.
Coding change: c.810G>C on transcript NM_030665.4 (MANE Select); coding-DNA position 810, G replaced by C.
Protein change: p.Gln270His; replaces glutamine 270 with histidine.
Molecular consequence: missense variant.
Genome position (GRCh38, 1-based): chr17:17,793,758, G>C. VCF-style: chr17-17793758-G-C. GRCh37 (hg19) VCF-style: chr17-17697072-G-C.
Other names: short protein forms Q270H.
Identifiers: ClinVar variation 1720108 (VCV001720108.5), dbSNP rs2032114636, ClinGen allele CA398546249.

ClinVar aggregate classification (germline): Uncertain significance (1 of 4 stars; one submission).

Submission:

Labcorp Genetics (formerly Invitae), Labcorp
Classification: Uncertain significance. Last evaluated: 2026-01-15. Review status: criteria provided, single submitter. Criteria: Invitae Variant Classification Sherloc (09022015). Collection method: clinical testing. Allele origin: germline.
Comment: This sequence change replaces glutamine, which is neutral and polar, with histidine, which is basic and polar, at codon 270 of the RAI1 protein (p.Gln270His). This variant is not present in population databases (gnomAD no frequency). This variant has not been reported in the literature in individuals affected with RAI1-related conditions. ClinVar contains an entry for this variant (Variation ID: 1720108). Invitae Evidence Modeling of protein sequence and biophysical properties (such as structural, functional, and spatial information, amino acid conservation, physicochemical variation, residue mobility, and thermodynamic stability) indicates that this missense variant is not expected to disrupt RAI1 protein function with a negative predictive value of 80%. In summary, the available evidence is currently insufficient to determine the role of this variant in disease. Therefore, it has been classified as a Variant of Uncertain Significance.